The following is an entry in ClinVar:

ClinVar aggregate classification (germline): Pathogenic (1 of 4 stars; one submission).

Conditions:
Hereditary cancer-predisposing syndrome. Also called: Tumor predisposition; Hereditary Cancer Syndrome; Hereditary neoplastic syndrome; Neoplastic Syndromes, Hereditary. Identifiers: Orphanet 140162, MedGen C0027672, MeSH D009386, MONDO:0015356.
Familial thoracic aortic aneurysm and aortic dissection (TAAD). Also called: Thoracic aortic aneurysms and dissections. Identifiers: Orphanet 91387, MedGen C4707243, MONDO:0019625.

Submission:

Ambry Genetics
Classification: Pathogenic for Hereditary cancer-predisposing syndrome; Familial thoracic aortic aneurysm and aortic dissection. Last evaluated: 2017-05-26. Review status: criteria provided, single submitter. Criteria: Ambry Variant Classification Scheme 2023. Collection method: clinical testing. Allele origin: germline.
Comment: The p.W302* pathogenic mutation (also known as c.905G>A), located in coding exon 7 of the SMAD4 gene, results from a G to A substitution at nucleotide position 905. This changes the amino acid from a tryptophan to a stop codon within coding exon 7. This alteration is expected to result in loss of function by premature protein truncation or nonsense-mediated mRNA decay. As such, this alteration is interpreted as a disease-causing mutation.

NM_005359.6(SMAD4):c.905G>A (p.Trp302Ter)

Gene: SMAD4 (SMAD family member 4; plus strand). Cytogenetic location: 18q21.2.
Variant type: single nucleotide variant.
Coding change: c.905G>A on transcript NM_005359.6 (MANE Select); coding-DNA position 905, G replaced by A.
Protein change: p.Trp302Ter; replaces tryptophan 302 with a stop codon.
Molecular consequence: nonsense.
Genome position (GRCh38, 1-based): chr18:51,059,866, G>A. VCF-style: chr18-51059866-G-A. GRCh37 (hg19) VCF-style: chr18-48586236-G-A.
Other names: short protein forms W302*.
Identifiers: ClinVar variation 486988 (VCV000486988.5), dbSNP rs1555686071, ClinGen allele CA402463634.